The following is an entry in ClinVar:

ClinVar aggregate classification (germline): Uncertain significance (1 of 4 stars; one submission).

Allele frequency attached by ClinVar (database versions not stated): gnomAD exomes below 0.00001.
gnomAD v4.1: 5 of 1,210,699 alleles (0.00041%); highest among the groups gnomAD compares: Non-Finnish European, 0.00056%; no homozygotes.

Submission:

GeneDx
Classification: Uncertain significance. Last evaluated: 2022-09-12. Review status: criteria provided, single submitter. Criteria: GeneDx Variant Classification Process June 2021. Collection method: clinical testing. Allele origin: germline. Affected: yes.
Comment: Not observed at significant frequency in large population cohorts (gnomAD); In silico analysis supports that this missense variant does not alter protein structure/function; Has not been previously published as pathogenic or benign to our knowledge

NM_001368397.1(FRMPD4):c.967C>A (p.Pro323Thr)

Gene: FRMPD4 (FERM and PDZ domain containing 4; plus strand). Cytogenetic location: Xp22.2.
Variant type: single nucleotide variant.
Coding change: c.967C>A on transcript NM_001368397.1 (MANE Select); coding-DNA position 967, C replaced by A.
Protein change: p.Pro323Thr; replaces proline 323 with threonine.
Molecular consequence: missense variant.
Genome position (GRCh38, 1-based): chrX:12,701,907, C>A. VCF-style: chrX-12701907-C-A. GRCh37 (hg19) VCF-style: chrX-12720026-C-A.
Other names: c.1078C>A, p.Pro360Thr (NM_001368395.3, NM_001368398.3); c.973C>A, p.Pro325Thr (NM_001368396.3); c.958C>A, p.Pro320Thr (NM_001368399.3); c.847C>A, p.Pro283Thr (NM_001368400.3); c.943C>A, p.Pro315Thr (NM_001368401.1, NM_001368402.3); c.967C>A, p.Pro323Thr (NM_014728.3); short protein forms P283T, P315T, P320T, P323T, P325T, P360T.
Identifiers: ClinVar variation 2443438 (VCV002443438.1), dbSNP rs1257180179, ClinGen allele CA412008371.
Genomic context (GRCh38, chrX:12,701,907, plus strand): 5'-CTGTGCCCCCTGCTGGTCTCTTCGCAGAGTTGTAACGATGTGGTTCAGGAGCGATTTGGG[C>A]CGGAGCTGAAATATGACATAGCCCTGCGGCTGGCCGCATTACAAATGTACATTGCAACCG-3'
Protein context (NP_001355326.1, residues 313-333): CNDVVQERFG[Pro323Thr]ELKYDIALRL